The following is an entry in ClinVar:

ClinVar aggregate classification (germline): Conflicting classifications of pathogenicity. Review status: criteria provided, conflicting classifications (1 of 4 stars). 10 submissions from 10 submitters: Uncertain significance (1); Benign (2); Likely benign (6). 1 of the submissions does not count toward it. Last evaluated 2026-07-01.

Conditions:
Heterotopia, periventricular, X-linked dominant (PVNH1). Also called: PERIVENTRICULAR NODULAR HETEROTOPIA 1; X-linked periventricular heterotopia; PERIVENTRICULAR NODULAR HETEROTOPIA 4; HETEROTOPIA, PERIVENTRICULAR, 1. Identifiers: Orphanet 2149, Orphanet 82004, MedGen C1848213, MONDO:0010233, OMIM 300049.
Frontometaphyseal dysplasia (FMD1). Identifiers: Orphanet 1826, MedGen C0265293, MONDO:0015942.
Melnick-Needles syndrome (MNS). Also called: Melnick-Needles Syndrome (FLNA-MNS); MELNICK-NEEDLES OSTEODYSPLASTY; OSTEODYSPLASTY OF MELNICK AND NEEDLES. Identifiers: Orphanet 2484, MedGen C0025237, MONDO:0010650, OMIM 309350.
Oto-palato-digital syndrome, type II (OPD2). Also called: Otopalatodigital Syndrome Type 2 (FLNA-OPD2); OPD II SYNDROME; Otopalatodigital Syndrome, Type II; FACIOPALATOOSSEOUS SYNDROME. Identifiers: Orphanet 669, Orphanet 90652, MedGen C1844696, MONDO:0010571, OMIM 304120.
FLNA-related disorder.
Familial thoracic aortic aneurysm and aortic dissection (TAAD). Also called: Thoracic aortic aneurysms and dissections. Identifiers: Orphanet 91387, MedGen C4707243, MONDO:0019625.

Allele frequency attached by ClinVar (database versions not stated): gnomAD 0.00005 and 0.00007; gnomAD exomes 0.00009 and 0.00040; ExAC 0.00038; TOPMed 0.00014.
gnomAD v4.1: 105 of 1,210,570 alleles (0.0087%); highest among the groups gnomAD compares: Admixed American, 0.17%; no homozygotes.

Submissions (10):

CeGaT Center for Human Genetics Tuebingen
Classification: Likely benign. Last evaluated: 2026-07-01. Review status: criteria provided, single submitter. Criteria: CeGaT Center For Human Genetics Tuebingen Variant Classification Criteria Version 2. Collection method: clinical testing. Allele origin: germline. Affected: yes. Observed: 2 variant alleles.
Comment: FLNA: BS2

Labcorp Genetics (formerly Invitae), Labcorp
Classification: Benign for Oto-palato-digital syndrome, type II; Heterotopia, periventricular, X-linked dominant; Frontometaphyseal dysplasia; Melnick-Needles syndrome. Last evaluated: 2025-12-03. Review status: criteria provided, single submitter. Criteria: Invitae Variant Classification Sherloc (09022015). Collection method: clinical testing. Allele origin: germline.

Blueprint Genetics
Classification: Likely benign. Last evaluated: 2024-11-28. Review status: criteria provided, single submitter. Criteria: ACMG Guidelines, 2015. Collection method: clinical testing. Allele origin: germline.

Women's Health and Genetics/Laboratory Corporation of America, LabCorp
Classification: Likely benign. Last evaluated: 2023-05-28. Review status: criteria provided, single submitter. Criteria: LabCorp Variant Classification Summary - May 2015. Collection method: clinical testing. Allele origin: germline.

Ambry Genetics
Classification: Likely benign for Familial thoracic aortic aneurysm and aortic dissection. Last evaluated: 2021-12-01. Review status: criteria provided, single submitter. Criteria: Ambry Variant Classification Scheme 2023. Collection method: clinical testing. Allele origin: germline.

GeneDx
Classification: Likely benign. Last evaluated: 2021-01-18. Review status: criteria provided, single submitter. Criteria: GeneDx Variant Classification Process June 2021. Collection method: clinical testing. Allele origin: germline. Affected: yes.

Center for Pediatric Genomic Medicine, Children's Mercy Hospital and Clinics
Classification: Likely benign. Last evaluated: 2017-07-27. Review status: criteria provided, single submitter. Criteria: ACMG Guidelines, 2015. Collection method: clinical testing. Allele origin: germline.

Athena Diagnostics
Classification: Benign. Last evaluated: 2017-07-05. Review status: criteria provided, single submitter. Criteria: Athena Diagnostics Criteria. Collection method: clinical testing. Allele origin: germline.

Eurofins Ntd Llc (ga)
Classification: Uncertain significance. Last evaluated: 2013-05-13. Review status: criteria provided, single submitter. Criteria: EGL Classification Definitions 2015. Collection method: clinical testing. Allele origin: germline. Observed: 2 variant alleles, 1 heterozygote, 1 hemizygote.

PreventionGenetics, part of Exact Sciences
Classification: Likely benign for FLNA-related condition. Last evaluated: 2020-12-22. Review status: no assertion criteria provided. Collection method: clinical testing. Allele origin: germline. Not counted in ClinVar's aggregate classification.
Comment: This variant is classified as likely benign based on ACMG/AMP sequence variant interpretation guidelines (Richards et al. 2015 PMID: 25741868, with internal and published modifications).

NM_001110556.2(FLNA):c.3379G>A (p.Val1127Met)

Gene: FLNA (filamin A; minus strand). Cytogenetic location: Xq28.
Variant type: single nucleotide variant.
Coding change: c.3379G>A on transcript NM_001110556.2 (MANE Select); coding-DNA position 3379, G replaced by A.
Protein change: p.Val1127Met; replaces valine 1127 with methionine.
Molecular consequence: missense variant.
Genome position (GRCh38, 1-based): chrX:154,360,416, C>T on the plus strand (G>A on the coding strand, the complement: FLNA is on the minus strand). VCF-style: chrX-154360416-C-T. GRCh37 (hg19) VCF-style: chrX-153588784-C-T.
Other names: p.V1127M:GTG>ATG; c.3379G>A, p.Val1127Met (NM_001456.4); short protein forms V1127M.
Identifiers: ClinVar variation 93757 (VCV000093757.32), dbSNP rs398123617, ClinGen allele CA221712.